The following is an entry in ClinVar:

NM_001367561.1(DOCK7):c.2869C>T (p.Arg957Ter)

Gene: DOCK7 (dedicator of cytokinesis 7; minus strand). Cytogenetic location: 1p31.3.
Variant type: single nucleotide variant.
Coding change: c.2869C>T on transcript NM_001367561.1 (MANE Select); coding-DNA position 2869, C replaced by T.
Protein change: p.Arg957Ter; replaces arginine 957 with a stop codon.
Molecular consequence: nonsense.
Genome position (GRCh38, 1-based): chr1:62,543,736, G>A on the plus strand (C>T on the coding strand, the complement: DOCK7 is on the minus strand). VCF-style: chr1-62543736-G-A. GRCh37 (hg19) VCF-style: chr1-63009407-G-A.
Other names: c.2869C>T, p.Arg957Ter (NM_001271999.2, NM_001330614.2); c.2776C>T, p.Arg926Ter (NM_001272000.2, NM_001272001.2, NM_033407.4); short protein forms R926*, R957*.
Identifiers: ClinVar variation 2985654 (VCV002985654.3), dbSNP rs2524846772, ClinGen allele CA340615120.
Genomic context (GRCh38, chr1:62,543,736, plus strand): 5'-CCGTTAATGTTTGTAAGAAACTTGACGTCTCTGTGTGCGAAGACATACGATTACAACTTC[G>A]ATCCATAGCCTATGGAGTGAAGATGAATGAATGACGAGATAACATTAACGTTTGCAGTGG-3'

ClinVar aggregate classification (germline): Pathogenic (1 of 4 stars; one submission).

Conditions:
Developmental and epileptic encephalopathy, 23 (DEE23). Also called: Epileptic encephalopathy, early infantile, 23. Identifiers: Orphanet 411986, MedGen C4014492, MONDO:0014371, OMIM 615859.

gnomAD v4.1: 5 of 1,593,302 alleles (0.00031%); highest among the groups gnomAD compares: South Asian, 0.0034%; no homozygotes.

Submission:

Labcorp Genetics (formerly Invitae), Labcorp
Classification: Pathogenic for Developmental and epileptic encephalopathy, 23. Last evaluated: 2023-11-06. Review status: criteria provided, single submitter. Criteria: Invitae Variant Classification Sherloc (09022015). Collection method: clinical testing. Allele origin: germline.
Comment: This sequence change creates a premature translational stop signal (p.Arg957*) in the DOCK7 gene. It is expected to result in an absent or disrupted protein product. Loss-of-function variants in DOCK7 are known to be pathogenic (PMID: 24814191). This variant is not present in population databases (gnomAD no frequency). This variant has not been reported in the literature in individuals affected with DOCK7-related conditions. Algorithms developed to predict the effect of sequence changes on RNA splicing suggest that this variant may disrupt the consensus splice site. For these reasons, this variant has been classified as Pathogenic.

Literature cited by the submitters: PubMed 24814191.